The following is an entry in ClinVar:

ClinVar aggregate classification (germline): Uncertain significance (1 of 4 stars; one submission).

gnomAD v4.1: 1 of 1,611,354 alleles (0.000062%); highest among the groups gnomAD compares: Non-Finnish European, 0.000085%; no homozygotes.

Submission:

GeneDx
Classification: Uncertain significance. Last evaluated: 2023-04-18. Review status: criteria provided, single submitter. Criteria: GeneDx Variant Classification Process June 2021. Collection method: clinical testing. Allele origin: germline. Affected: yes.
Comment: Not observed at significant frequency in large population cohorts (gnomAD); In silico analysis supports that this missense variant has a deleterious effect on protein structure/function; Has not been previously published as pathogenic or benign to our knowledge

NM_001374353.1(GLI2):c.833C>G (p.Ala278Gly)

Gene: GLI2 (GLI family zinc finger 2; plus strand). Cytogenetic location: 2q14.2.
Variant type: single nucleotide variant.
Coding change: c.833C>G on transcript NM_001374353.1 (MANE Select); coding-DNA position 833, C replaced by G.
Protein change: p.Ala278Gly; replaces alanine 278 with glycine.
Molecular consequence: missense variant.
Genome position (GRCh38, 1-based): chr2:120,968,903, C>G. VCF-style: chr2-120968903-C-G. GRCh37 (hg19) VCF-style: chr2-121726479-C-G.
Other names: c.833C>G, p.Ala278Gly (NM_001371271.1, NM_005270.5); c.458C>G, p.Ala153Gly (NM_001374354.1); short protein forms A153G, A278G.
Identifiers: ClinVar variation 2662886 (VCV002662886.1), dbSNP rs759512271, ClinGen allele CA348166713.